The following is an entry in ClinVar:

NM_001145809.2(MYH14):c.2304C>G (p.Ile768Met)

Gene: MYH14 (myosin heavy chain 14; plus strand). Cytogenetic location: 19q13.33.
Variant type: single nucleotide variant.
Coding change: c.2304C>G on transcript NM_001145809.2 (MANE Select); coding-DNA position 2304, C replaced by G.
Protein change: p.Ile768Met; replaces isoleucine 768 with methionine.
Molecular consequence: missense variant.
Genome position (GRCh38, 1-based): chr19:50,259,215, C>G. VCF-style: chr19-50259215-C-G. GRCh37 (hg19) VCF-style: chr19-50762472-C-G.
Other names: c.2205C>G, p.Ile735Met (NM_001077186.2); c.2181C>G, p.Ile727Met (NM_024729.4); short protein forms I727M, I735M, I768M.
Identifiers: ClinVar variation 4847331 (VCV004847331.1).

ClinVar aggregate classification (germline): Uncertain significance (1 of 4 stars; one submission).

Submission:

Women's Health and Genetics/Laboratory Corporation of America, LabCorp
Classification: Uncertain significance. Last evaluated: 2026-03-11. Review status: criteria provided, single submitter. Criteria: LabCorp Variant Classification Summary - May 2015. Collection method: clinical testing. Allele origin: germline.
Comment: Variant summary: MYH14 c.2181C>G (p.Ile727Met) results in a conservative amino acid change in the encoded protein sequence. Algorithms developed to predict the effect of missense changes on protein structure and function are either unavailable or do not agree on the potential impact of this missense change. The variant was absent in 207068 control chromosomes. The available data on variant occurrences in the general population are insufficient to allow any conclusion about variant significance. To our knowledge, no occurrence of c.2181C>G in individuals affected with MYH14-related conditions and no experimental evidence demonstrating its impact on protein function have been reported. No submitters have cited clinical-significance assessments for this variant to ClinVar. Based on the evidence outlined above, the variant was classified as uncertain significance.